The following is an entry in ClinVar:

NM_000095.3(COMP):c.1468C>A (p.Pro490Thr)

Gene: COMP (cartilage oligomeric matrix protein; minus strand). Cytogenetic location: 19p13.11.
Variant type: single nucleotide variant.
Coding change: c.1468C>A on transcript NM_000095.3 (MANE Select); coding-DNA position 1468, C replaced by A.
Protein change: p.Pro490Thr; replaces proline 490 with threonine.
Molecular consequence: missense variant.
Genome position (GRCh38, 1-based): chr19:18,785,986, G>T on the plus strand (C>A on the coding strand, the complement: COMP is on the minus strand). VCF-style: chr19-18785986-G-T. GRCh37 (hg19) VCF-style: chr19-18896796-G-T.
Other names: short protein forms P490T.
Identifiers: ClinVar variation 1482205 (VCV001482205.8), dbSNP rs867983497, ClinGen allele CA306255123.

ClinVar aggregate classification (germline): Uncertain significance (1 of 4 stars; one submission).

Submission:

Labcorp Genetics (formerly Invitae), Labcorp
Classification: Uncertain significance. Last evaluated: 2021-06-07. Review status: criteria provided, single submitter. Criteria: Invitae Variant Classification Sherloc (09022015). Collection method: clinical testing. Allele origin: germline.
Comment: This sequence change replaces proline with threonine at codon 490 of the COMP protein (p.Pro490Thr). The proline residue is highly conserved and there is a small physicochemical difference between proline and threonine. This variant is not present in population databases (ExAC no frequency). This variant has not been reported in the literature in individuals with COMP-related conditions. Algorithms developed to predict the effect of missense changes on protein structure and function are either unavailable or do not agree on the potential impact of this missense change (SIFT: "Deleterious"; PolyPhen-2: "Benign"; Align-GVGD: "Class C35"). In summary, the available evidence is currently insufficient to determine the role of this variant in disease. Therefore, it has been classified as a Variant of Uncertain Significance.